The following is an entry in ClinVar:

NM_020457.3(THAP11):c.333_334insAAGCAACAG (p.Gln111_Gln112insLysGlnGln)

Genes: CENPT (centromere protein T; minus strand), THAP11 (THAP domain containing 11; plus strand). Cytogenetic location: 16q22.1.
Variant type: Insertion.
Coding change: c.333_334insAAGCAACAG on transcript NM_020457.3 (MANE Select); coding-DNA positions 333 to 334, AAGCAACAG inserted.
Protein change: p.Gln111_Gln112insLysGlnGln.
Molecular consequence: inframe insertion. On other transcripts: intron variant (1).
Genome position: GRCh38 VCF-style: chr16-67842884-G-GCAGAAGCAA. GRCh37 (hg19) VCF-style: chr16-67876787-G-GCAGAAGCAA.
Other names: c.-492+4516_-492+4517insCTGTTGCTT (NM_025082.4).
Identifiers: ClinVar variation 2178293 (VCV002178293.4), dbSNP rs1555494388, ClinGen allele CA8118183.

ClinVar aggregate classification (germline): Uncertain significance (1 of 4 stars; one submission).

Submission:

Labcorp Genetics (formerly Invitae), Labcorp
Classification: Uncertain significance. Last evaluated: 2022-07-03. Review status: criteria provided, single submitter. Criteria: Invitae Variant Classification Sherloc (09022015). Collection method: clinical testing. Allele origin: germline.
Comment: In summary, the available evidence is currently insufficient to determine the role of this variant in disease. Therefore, it has been classified as a Variant of Uncertain Significance. This variant has not been reported in the literature in individuals affected with THAP11-related conditions. The frequency data for this variant in the population databases is considered unreliable, as metrics indicate poor data quality at this position in the gnomAD database. This variant, c.333_334insAAGCAACAG, results in the insertion of 3 amino acid(s) of the THAP11 protein (p.Gln111_Gln112insLysGlnGln), but otherwise preserves the integrity of the reading frame.